The following is an entry in ClinVar:

NM_021615.5(CHST6):c.997T>C (p.Trp333Arg)

Gene: CHST6 (carbohydrate sulfotransferase 6; minus strand). Cytogenetic location: 16q23.1.
Variant type: single nucleotide variant.
Coding change: c.997T>C on transcript NM_021615.5 (MANE Select); coding-DNA position 997, T replaced by C.
Protein change: p.Trp333Arg; replaces tryptophan 333 with arginine.
Molecular consequence: missense variant.
Genome position (GRCh38, 1-based): chr16:75,478,832, A>G on the plus strand (T>C on the coding strand, the complement: CHST6 is on the minus strand). VCF-style: chr16-75478832-A-G. GRCh37 (hg19) VCF-style: chr16-75512730-A-G.
Other names: short protein forms W333R.
Identifiers: ClinVar variation 1300206 (VCV001300206.13), dbSNP rs758657734, ClinGen allele CA8175331.

ClinVar aggregate classification (germline): Conflicting classifications of pathogenicity. Review status: criteria provided, conflicting classifications (1 of 4 stars). 5 submissions from 5 submitters: Pathogenic (2); Likely pathogenic (2); Uncertain significance (1). Last evaluated 2025-12-14.

Conditions:
Macular corneal dystrophy (MCD). Also called: Macular corneal dystrophy Type I; GROENOUW TYPE II CORNEAL DYSTROPHY. Identifiers: Orphanet 98969, MedGen C1636149, MONDO:0009020, OMIM 217800.
CHST6-related disorder. Also called: CHST6-related condition.

Allele frequency attached by ClinVar (database versions not stated): ExAC 0.00001; gnomAD exomes 0.00001 and 0.00003; gnomAD 0.00002; TOPMed 0.00002.
gnomAD v4.1: 41 of 1,613,320 alleles (0.0025%); highest among the groups gnomAD compares: Non-Finnish European, 0.0034%; no homozygotes.

Submissions (5):

Labcorp Genetics (formerly Invitae), Labcorp
Classification: Pathogenic for Macular corneal dystrophy. Last evaluated: 2025-12-14. Review status: criteria provided, single submitter. Criteria: Invitae Variant Classification Sherloc (09022015). Collection method: clinical testing. Allele origin: germline.
Comment: This sequence change replaces tryptophan, which is neutral and slightly polar, with arginine, which is basic and polar, at codon 333 of the CHST6 protein (p.Trp333Arg). This variant is present in population databases (rs758657734, gnomAD 0.003%). This missense change has been observed in individuals with corneal macular dystrophy (PMID: 32472422, 35985662; internal data). ClinVar contains an entry for this variant (Variation ID: 1300206). Invitae Evidence Modeling of protein sequence and biophysical properties (such as structural, functional, and spatial information, amino acid conservation, physicochemical variation, residue mobility, and thermodynamic stability) indicates that this missense variant is expected to disrupt CHST6 protein function with a positive predictive value of 80%. This variant disrupts the p.Trp333 amino acid residue in CHST6. Other variant(s) that disrupt this residue have been determined to be pathogenic (PMID: 20539220). This suggests that this residue is clinically significant, and that variants that disrupt this residue are likely to be disease-causing. For these reasons, this variant has been classified as Pathogenic.

Blueprint Genetics
Classification: Pathogenic for CHST6-related disorders. Last evaluated: 2024-04-11. Review status: criteria provided, single submitter. Criteria: ACMG Guidelines, 2015. Collection method: clinical testing. Allele origin: germline. Affected: yes. Observed: 5 variant alleles.

Fulgent Genetics
Classification: Likely pathogenic for Macular corneal dystrophy. Last evaluated: 2024-03-26. Review status: criteria provided, single submitter. Criteria: ACMG Guidelines, 2015. Collection method: clinical testing. Allele origin: germline.

MGZ Medical Genetics Center
Classification: Uncertain significance for Macular corneal dystrophy. Last evaluated: 2021-10-21. Review status: criteria provided, single submitter. Criteria: ACMG Guidelines, 2015. Collection method: clinical testing. Allele origin: germline. Affected: yes. Observed: 1 variant allele.
Comment: ACMG criteria applied: PM2_SUP, PP3

Genetics and Molecular Pathology, SA Pathology
Classification: Likely pathogenic for Macular corneal dystrophy. Last evaluated: 2021-10-12. Review status: criteria provided, single submitter. Criteria: ACMG Guidelines, 2015. Collection method: clinical testing. Allele origin: germline. Inheritance: Autosomal recessive inheritance. Affected: yes.

Literature cited by the submitters: PubMed 32472422 (cited by Labcorp Genetics (formerly Invitae), Labcorp); PubMed 35985662 (cited by Labcorp Genetics (formerly Invitae), Labcorp); PubMed 20539220 (cited by Labcorp Genetics (formerly Invitae), Labcorp).